The following is an entry in ClinVar:

NM_000388.4(CASR):c.162G>C (p.Arg54Ser)

Gene: CASR (calcium sensing receptor; plus strand). Cytogenetic location: 3q21.1.
Variant type: single nucleotide variant.
Coding change: c.162G>C on transcript NM_000388.4 (MANE Select); coding-DNA position 162, G replaced by C.
Protein change: p.Arg54Ser; replaces arginine 54 with serine.
Molecular consequence: missense variant.
Genome position (GRCh38, 1-based): chr3:122,254,351, G>C. VCF-style: chr3-122254351-G-C. GRCh37 (hg19) VCF-style: chr3-121973198-G-C.
Other names: c.162G>C, p.Arg54Ser (NM_001178065.2); short protein forms R54S.
Identifiers: ClinVar variation 1039012 (VCV001039012.9), dbSNP rs2074531100, ClinGen allele CA354362264.
Genomic context (GRCh38, chr3:122,254,351, plus strand): 5'-TGGGGGGCTCTTTCCTATTCATTTTGGAGTAGCAGCTAAAGATCAAGATCTCAAATCAAG[G>C]CCGGAGTCTGTGGAATGTATCAGGTAAGAAGAGGGGCCTAATCTGCCAATCTCTTCTCTT-3'
Protein context (NP_000379.3, residues 44-64): VAAKDQDLKS[Arg54Ser]PESVECIRYN

ClinVar aggregate classification (germline): Uncertain significance (1 of 4 stars; one submission).

Conditions:
Familial hypocalciuric hypercalcemia (FHH). Also called: Familial benign hypercalcemia. Identifiers: Orphanet 405, MedGen C1809471, MONDO:0018458.
Autosomal dominant hypocalcemia 1 (HYPOC1). Also called: HYPOCALCEMIA, FAMILIAL. Identifiers: MedGen C3715128, MONDO:0011013, OMIM 601198.

Submission:

Labcorp Genetics (formerly Invitae), Labcorp
Classification: Uncertain significance for Familial hypocalciuric hypercalcemia; Autosomal dominant hypocalcemia 1. Last evaluated: 2024-04-29. Review status: criteria provided, single submitter. Criteria: Invitae Variant Classification Sherloc (09022015). Collection method: clinical testing. Allele origin: germline.
Comment: This sequence change replaces arginine, which is basic and polar, with serine, which is neutral and polar, at codon 54 of the CASR protein (p.Arg54Ser). This variant is not present in population databases (gnomAD no frequency). This variant has not been reported in the literature in individuals affected with CASR-related conditions. ClinVar contains an entry for this variant (Variation ID: 1039012). An algorithm developed to predict the effect of missense changes on protein structure and function (PolyPhen-2) suggests that this variant is likely to be disruptive. In summary, the available evidence is currently insufficient to determine the role of this variant in disease. Therefore, it has been classified as a Variant of Uncertain Significance.